The following is an entry in ClinVar:

NM_001145860.2(POP1):c.1362T>C (p.Thr454=)

Gene: POP1 (POP1 ribonuclease P/MRP subunit; plus strand). Cytogenetic location: 8q22.2.
Variant type: single nucleotide variant.
Coding change: c.1362T>C on transcript NM_001145860.2 (MANE Select); coding-DNA position 1362, T replaced by C.
Protein change: p.Thr454=; no amino-acid change (threonine 454 retained).
Molecular consequence: synonymous variant.
Genome position (GRCh38, 1-based): chr8:98,136,954, T>C. VCF-style: chr8-98136954-T-C. GRCh37 (hg19) VCF-style: chr8-99149182-T-C.
Other names: c.1362T>C, p.Thr454= (NM_001145861.2, NM_015029.3).
Identifiers: ClinVar variation 2175825 (VCV002175825.4), dbSNP rs191709730, ClinGen allele CA4820552.

ClinVar aggregate classification (germline): Uncertain significance (1 of 4 stars; one submission).

Allele frequency attached by ClinVar (database versions not stated): gnomAD exomes 0.00002; ExAC 0.00005; TOPMed 0.00017; gnomAD 0.00020; 1000 Genomes Project 0.00040; 1000 Genomes Project 30x 0.00047.
gnomAD v4.1: 65 of 1,593,420 alleles (0.0041%); highest among the groups gnomAD compares: African/African-American, 0.072%; no homozygotes.

Submission:

Labcorp Genetics (formerly Invitae), Labcorp
Classification: Uncertain significance. Last evaluated: 2025-10-14. Review status: criteria provided, single submitter. Criteria: Invitae Variant Classification Sherloc (09022015). Collection method: clinical testing. Allele origin: germline.
Comment: This sequence change affects codon 454 of the POP1 mRNA. It is a 'silent' change, meaning that it does not change the encoded amino acid sequence of the POP1 protein. It affects a nucleotide within the consensus splice site. This variant is present in population databases (rs191709730, gnomAD 0.07%). This variant has not been reported in the literature in individuals affected with POP1-related conditions. ClinVar contains an entry for this variant (Variation ID: 2175825). Algorithms developed to predict the effect of sequence changes on RNA splicing suggest that this variant is not likely to affect RNA splicing. In summary, the available evidence is currently insufficient to determine the role of this variant in disease. Therefore, it has been classified as a Variant of Uncertain Significance.